The following is an entry in ClinVar:

ClinVar aggregate classification (germline): Uncertain significance. Review status: criteria provided, multiple submitters, no conflicts (2 of 4 stars). 3 submissions from 3 submitters: Uncertain significance (3). Last evaluated 2024-05-24.

Conditions:
Cone-rod dystrophy 20 (CORD20). Identifiers: Orphanet 1872, MedGen C4014856, MONDO:0014427, OMIM 615973.

Allele frequency attached by ClinVar (database versions not stated): ExAC 0.00001; TOPMed 0.00001; gnomAD exomes 0.00002.
gnomAD v4.1: 18 of 1,531,440 alleles (0.0012%); highest among the groups gnomAD compares: Non-Finnish European, 0.0014%; no homozygotes.

Submissions (3):

Fulgent Genetics
Classification: Uncertain significance for Cone-rod dystrophy 20. Last evaluated: 2024-05-24. Review status: criteria provided, single submitter. Criteria: ACMG Guidelines, 2015. Collection method: clinical testing. Allele origin: germline.

Blueprint Genetics
Classification: Uncertain significance. Last evaluated: 2021-03-05. Review status: criteria provided, single submitter. Criteria: ACMG Guidelines, 2015. Collection method: clinical testing. Allele origin: germline.

Labcorp Genetics (formerly Invitae), Labcorp
Classification: Uncertain significance. Last evaluated: 2019-09-03. Review status: criteria provided, single submitter. Criteria: Invitae Variant Classification Sherloc (09022015). Collection method: clinical testing. Allele origin: germline.
Comment: In summary, the available evidence is currently insufficient to determine the role of this variant in disease. Therefore, it has been classified as a Variant of Uncertain Significance. Algorithms developed to predict the effect of sequence changes on RNA splicing suggest that this variant may create or strengthen a splice site, but this prediction has not been confirmed by published transcriptional studies. Algorithms developed to predict the effect of missense changes on protein structure and function (SIFT, PolyPhen-2, Align-GVGD) all suggest that this variant is likely to be disruptive, but these predictions have not been confirmed by published functional studies and their clinical significance is uncertain. This variant has not been reported in the literature in individuals with POC1B-related conditions. This variant is present in population databases (rs778224641, ExAC 0.01%). This sequence change replaces glycine with arginine at codon 268 of the POC1B protein (p.Gly268Arg). The glycine residue is highly conserved and there is a moderate physicochemical difference between glycine and arginine.

NM_172240.3(POC1B):c.802G>A (p.Gly268Arg)

Genes: POC1B (POC1 centriolar protein B; minus strand), POC1B-DUSP6 (POC1B-DUSP6 readthrough; minus strand). Cytogenetic location: 12q21.33.
Variant type: single nucleotide variant.
Coding change: c.802G>A on transcript NM_172240.3 (MANE Select); coding-DNA position 802, G replaced by A.
Protein change: p.Gly268Arg; replaces glycine 268 with arginine.
Molecular consequence: missense variant. On other transcripts: non-coding transcript variant (2).
Genome position (GRCh38, 1-based): chr12:89,470,369, C>T on the plus strand (G>A on the coding strand, the complement: POC1B is on the minus strand). VCF-style: chr12-89470369-C-T. GRCh37 (hg19) VCF-style: chr12-89864146-C-T.
Other names: c.676G>A, p.Gly226Arg (NM_001199777.2); short protein forms G226R, G268R.
Identifiers: ClinVar variation 938183 (VCV000938183.9), dbSNP rs778224641, ClinGen allele CA6714404.